The following is an entry in ClinVar:

ClinVar aggregate classification (germline): Uncertain significance. Review status: criteria provided, multiple submitters, no conflicts (2 of 4 stars). 2 submissions from 2 submitters: Uncertain significance (2). Last evaluated 2018-01-12.

Conditions:
Perlman syndrome (PRLMNS). Identifiers: Orphanet 2849, MedGen C0796113, MONDO:0009965, OMIM 267000.

gnomAD v4.1: 1 of 1,612,932 alleles (0.000062%); highest among the groups gnomAD compares: South Asian, 0.0011%; no homozygotes.

Submissions (2):

Illumina Laboratory Services, Illumina
Classification: Uncertain significance for Perlman syndrome. Last evaluated: 2018-01-12. Review status: criteria provided, single submitter. Criteria: ICSL Variant Classification Criteria 13 December 2019. Collection method: clinical testing. Allele origin: germline.

Labcorp Genetics (formerly Invitae), Labcorp
Classification: Uncertain significance for Perlman syndrome. Last evaluated: 2017-04-18. Review status: criteria provided, single submitter. Criteria: Invitae Variant Classification Sherloc (09022015). Collection method: clinical testing. Allele origin: germline.
Comment: This sequence change replaces proline with serine at codon 694 of the DIS3L2 protein (p.Pro694Ser). The proline residue is highly conserved and there is a moderate physicochemical difference between proline and serine. In summary, this variant is a rare missense change with uncertain impact on protein function. There is no indication that it causes disease, but the available evidence is currently insufficient to prove that conclusively. Therefore, it has been classified as a Variant of Uncertain Significance. Algorithms developed to predict the effect of missense changes on protein structure and function do not agree on the potential impact of this missense change (SIFT: "Tolerated"; PolyPhen-2: "Probably Damaging"; Align-GVGD: "Class C0"). This variant is not present in population databases (ExAC no frequency) and has not been reported in the literature in individuals with a DIS3L2-related disease. ClinVar contains an entry for this variant (Variation ID: 334943).

NM_152383.5(DIS3L2):c.2080C>T (p.Pro694Ser)

Gene: DIS3L2 (DIS3 like 3'-5' exoribonuclease 2; plus strand). Cytogenetic location: 2q37.1.
Variant type: single nucleotide variant.
Coding change: c.2080C>T on transcript NM_152383.5 (MANE Select); coding-DNA position 2080, C replaced by T.
Protein change: p.Pro694Ser; replaces proline 694 with serine.
Molecular consequence: missense variant. On other transcripts: non-coding transcript variant (2), intron variant (1).
Genome position (GRCh38, 1-based): chr2:232,333,909, C>T. VCF-style: chr2-232333909-C-T. GRCh37 (hg19) VCF-style: chr2-233198619-C-T.
Other names: c.1582-9436C>T (NM_001257281.2); short protein forms P694S.
Identifiers: ClinVar variation 334943 (VCV000334943.12), dbSNP rs886055771, ClinGen allele CA10614797.